The following is an entry in ClinVar:

NM_172107.4(KCNQ2):c.2244C>G (p.His748Gln)

Gene: KCNQ2 (potassium voltage-gated channel subfamily Q member 2; minus strand). Cytogenetic location: 20q13.33.
Variant type: single nucleotide variant.
Coding change: c.2244C>G on transcript NM_172107.4 (MANE Select); coding-DNA position 2244, C replaced by G.
Protein change: p.His748Gln; replaces histidine 748 with glutamine.
Molecular consequence: missense variant.
Genome position (GRCh38, 1-based): chr20:63,407,019, G>C on the plus strand (C>G on the coding strand, the complement: KCNQ2 is on the minus strand). VCF-style: chr20-63407019-G-C. GRCh37 (hg19) VCF-style: chr20-62038372-G-C.
Other names: c.2298C>G, p.His766Gln (NM_001382235.1); c.2160C>G, p.His720Gln (NM_004518.6); c.2190C>G, p.His730Gln (NM_172106.3); c.2151C>G, p.His717Gln (NM_172108.5); short protein forms H748Q, H766Q, H720Q, H717Q, H730Q.
Identifiers: ClinVar variation 2884286 (VCV002884286.3), dbSNP rs376327268, ClinGen allele CA409638264.

ClinVar aggregate classification (germline): Uncertain significance (1 of 4 stars; one submission).

Conditions:
Early-infantile DEE. Also called: Ohtahara syndrome; Early infantile epileptic encephalopathy; Early infantile epileptic encephalopathy with suppression bursts. Identifiers: Orphanet 1934, MedGen C0393706, MONDO:0800491.

gnomAD v4.1: 7 of 1,527,714 alleles (0.00046%); highest among the groups gnomAD compares: African/African-American, 0.0041%; no homozygotes.

Submission:

Labcorp Genetics (formerly Invitae), Labcorp
Classification: Uncertain significance for Early-infantile DEE. Last evaluated: 2023-08-07. Review status: criteria provided, single submitter. Criteria: Invitae Variant Classification Sherloc (09022015). Collection method: clinical testing. Allele origin: germline.
Comment: In summary, the available evidence is currently insufficient to determine the role of this variant in disease. Therefore, it has been classified as a Variant of Uncertain Significance. An algorithm developed to predict the effect of missense changes on protein structure and function (PolyPhen-2) suggests that this variant is likely to be disruptive. This variant has not been reported in the literature in individuals affected with KCNQ2-related conditions. This variant is present in population databases (no rsID available, gnomAD 0.006%). This sequence change replaces histidine, which is basic and polar, with glutamine, which is neutral and polar, at codon 748 of the KCNQ2 protein (p.His748Gln).